The following is an entry in ClinVar:

NM_001174147.2(LMX1B):c.*1703C>T

Gene: LMX1B (LIM homeobox transcription factor 1 beta; plus strand). Cytogenetic location: 9q33.3.
Variant type: single nucleotide variant.
Coding change: c.*1703C>T on transcript NM_001174147.2 (MANE Select); 1703 bases downstream of the stop codon, C replaced by T.
Molecular consequence: 3 prime UTR variant.
Genome position (GRCh38, 1-based): chr9:126,698,154, C>T. VCF-style: chr9-126698154-C-T. GRCh37 (hg19) VCF-style: chr9-129460433-C-T.
Other names: c.*1703C>T (NM_001174146.2, NM_002316.4).
Identifiers: ClinVar variation 914225 (VCV000914225.4), dbSNP rs144070517, ClinGen allele CA199819191.

ClinVar aggregate classification (germline): Benign (1 of 4 stars; one submission).

Conditions:
Nail-patella syndrome (NPS). Also called: FONG DISEASE; ONYCHOOSTEODYSPLASIA; TURNER-KIESER SYNDROME. Identifiers: Orphanet 2614, MedGen C0027341, MONDO:0008061, OMIM 161200.

Allele frequency attached by ClinVar (database versions not stated): TOPMed 0.00523; 1000 Genomes Project 0.00579; 1000 Genomes Project 30x 0.00734.

Submission:

Illumina Laboratory Services, Illumina
Classification: Benign for Nail-patella syndrome. Last evaluated: 2018-01-13. Review status: criteria provided, single submitter. Criteria: ICSL Variant Classification Criteria 13 December 2019. Collection method: clinical testing. Allele origin: germline.
Comment: This variant was observed in the ICSL laboratory as part of a predisposition screen in an ostensibly healthy population. It had not been previously curated by ICSL or reported in the Human Gene Mutation Database (HGMD: prior to June 1st, 2018), and was therefore a candidate for classification through an automated scoring system. Utilizing variant allele frequency, disease prevalence and penetrance estimates, and inheritance mode, an automated score was calculated to assess if this variant is too frequent to cause the disease. Based on the score and internal cut-off values, a variant classified as benign is not then subjected to further curation. The score for this variant resulted in a classification of benign for this disease.